The following is an entry in ClinVar:

NM_000388.4(CASR):c.1880C>T (p.Thr627Ile)

Gene: CASR (calcium sensing receptor; plus strand). Cytogenetic location: 3q21.1.
Variant type: single nucleotide variant.
Coding change: c.1880C>T on transcript NM_000388.4 (MANE Select); coding-DNA position 1880, C replaced by T.
Protein change: p.Thr627Ile; replaces threonine 627 with isoleucine.
Molecular consequence: missense variant.
Genome position (GRCh38, 1-based): chr3:122,283,834, C>T. VCF-style: chr3-122283834-C-T. GRCh37 (hg19) VCF-style: chr3-122002681-C-T.
Other names: c.1910C>T, p.Thr637Ile (NM_001178065.2); short protein forms T627I, T637I.
Identifiers: ClinVar variation 1380785 (VCV001380785.6), dbSNP rs2074924073, ClinGen allele CA354157811.
Genomic context (GRCh38, chr3:122,283,834, plus strand): 5'-CGTGGACGGAGCCCTTTGGGATCGCACTCACCCTCTTTGCCGTGCTGGGCATTTTCCTGA[C>T]AGCCTTTGTGCTGGGTGTGTTTATCAAGTTCCGCAACACACCCATTGTCAAGGCCACCAA-3'
Protein context (NP_000379.3, residues 617-637): TLFAVLGIFL[Thr627Ile]AFVLGVFIKF

ClinVar aggregate classification (germline): Uncertain significance (1 of 4 stars; one submission).

Conditions:
Autosomal dominant hypocalcemia 1 (HYPOC1). Also called: HYPOCALCEMIA, FAMILIAL. Identifiers: MedGen C3715128, MONDO:0011013, OMIM 601198.
Familial hypocalciuric hypercalcemia (FHH). Also called: Familial benign hypercalcemia. Identifiers: Orphanet 405, MedGen C1809471, MONDO:0018458.

Submission:

Labcorp Genetics (formerly Invitae), Labcorp
Classification: Uncertain significance for Familial hypocalciuric hypercalcemia; Autosomal dominant hypocalcemia 1. Last evaluated: 2023-06-03. Review status: criteria provided, single submitter. Criteria: Invitae Variant Classification Sherloc (09022015). Collection method: clinical testing. Allele origin: germline.
Comment: This variant has not been reported in the literature in individuals affected with CASR-related conditions. This variant is not present in population databases (gnomAD no frequency). This sequence change replaces threonine, which is neutral and polar, with isoleucine, which is neutral and non-polar, at codon 627 of the CASR protein (p.Thr627Ile). ClinVar contains an entry for this variant (Variation ID: 1380785). In summary, the available evidence is currently insufficient to determine the role of this variant in disease. Therefore, it has been classified as a Variant of Uncertain Significance. An algorithm developed to predict the effect of missense changes on protein structure and function (PolyPhen-2) suggests that this variant is likely to be disruptive.